The following is an entry in ClinVar:

ClinVar aggregate classification (germline): Uncertain significance. Review status: criteria provided, multiple submitters, no conflicts (2 of 4 stars). 4 submissions from 4 submitters: Uncertain significance (4). Last evaluated 2026-05-28.

Conditions:
Familial thoracic aortic aneurysm and aortic dissection (TAAD). Also called: Thoracic aortic aneurysms and dissections. Identifiers: Orphanet 91387, MedGen C4707243, MONDO:0019625.
Ehlers-Danlos syndrome, classic type, 1 (EDSCL1). Also called: Ehlers-Danlos syndrome, type 1; Ehlers-Danlos Syndrome, Classic Type, COL5A1-Related; EDS I; EHLERS-DANLOS SYNDROME, GRAVIS TYPE; EHLERS-DANLOS SYNDROME, SEVERE CLASSIC TYPE. Identifiers: MedGen C0268335, MONDO:0019567, OMIM 130000.
Ehlers-Danlos syndrome, classic type, 2 (EDSCL2). Also called: Ehlers-Danlos syndrome, type 2; Ehlers-Danlos Syndrome, Classic Type, COL5A2-Related; Ehlers-Danlos syndrome type 2 (formerly). Identifiers: Orphanet 287, Orphanet 90318, MedGen C0268336, MONDO:0019568, OMIM 130010.

Allele frequency attached by ClinVar (database versions not stated): gnomAD exomes below 0.00001; TOPMed 0.00001.
gnomAD v4.1: 9 of 1,613,594 alleles (0.00056%); highest among the groups gnomAD compares: East Asian, 0.0045%; no homozygotes.

Submissions (4):

Ambry Genetics
Classification: Uncertain significance for Familial thoracic aortic aneurysm and aortic dissection. Last evaluated: 2026-05-28. Review status: criteria provided, single submitter. Criteria: Ambry Variant Classification Scheme 2023. Collection method: clinical testing. Allele origin: germline.
Comment: The p.P922A variant (also known as c.2764C>G), located in coding exon 41 of the COL5A2 gene, results from a C to G substitution at nucleotide position 2764. The proline at codon 922 is replaced by alanine, an amino acid with highly similar properties. This amino acid position is conserved. In addition, the in silico prediction for this alteration is inconclusive. Based on the available evidence, the clinical significance of this variant remains unclear.

Labcorp Genetics (formerly Invitae), Labcorp
Classification: Uncertain significance for Ehlers-Danlos syndrome, classic type, 1. Last evaluated: 2025-10-14. Review status: criteria provided, single submitter. Criteria: Invitae Variant Classification Sherloc (09022015). Collection method: clinical testing. Allele origin: germline.
Comment: This sequence change replaces proline, which is neutral and non-polar, with alanine, which is neutral and non-polar, at codon 922 of the COL5A2 protein (p.Pro922Ala). This variant is not present in population databases (gnomAD no frequency). This variant has not been reported in the literature in individuals affected with COL5A2-related conditions. ClinVar contains an entry for this variant (Variation ID: 860814). Invitae Evidence Modeling of protein sequence and biophysical properties (such as structural, functional, and spatial information, amino acid conservation, physicochemical variation, residue mobility, and thermodynamic stability) indicates that this missense variant is not expected to disrupt COL5A2 protein function with a negative predictive value of 80%. In summary, the available evidence is currently insufficient to determine the role of this variant in disease. Therefore, it has been classified as a Variant of Uncertain Significance.

ARUP Laboratories, Molecular Genetics and Genomics, ARUP Laboratories
Classification: Uncertain significance for Ehlers-Danlos syndrome, classic type, 2. Last evaluated: 2025-05-19. Review status: criteria provided, single submitter. Criteria: ARUP Molecular Germline Variant Investigation Process 2024. Collection method: clinical testing. Allele origin: germline.
Comment: The COL5A2 c.2764C>G; p.Pro922Ala variant (rs1349278394), to our knowledge, is not reported in the medical literature but is reported in ClinVar (Variation ID: 860814). The variant is absent from the Genome Aggregation Database (v2.1.1), indicating it is not a common polymorphism. Computational analyses are uncertain whether this variant is neutral or deleterious (REVEL: 0.463). Due to limited information, the clinical significance of this variant is uncertain at this time.

GeneDx
Classification: Uncertain significance. Last evaluated: 2020-05-08. Review status: criteria provided, single submitter. Criteria: GeneDx Variant Classification Process June 2021. Collection method: clinical testing. Allele origin: germline. Affected: yes.
Comment: Has not been previously published as pathogenic or benign to our knowledge; Not observed in large population cohorts (Lek et al., 2016); In silico analysis supports that this missense variant has a deleterious effect on protein structure/function; Reported in ClinVar of uncertain significance (ClinVar Variant ID# 860814; Landrum et al., 2016)

NM_000393.5(COL5A2):c.2764C>G (p.Pro922Ala)

Gene: COL5A2 (collagen type V alpha 2 chain; minus strand). Cytogenetic location: 2q32.2.
Variant type: single nucleotide variant.
Coding change: c.2764C>G on transcript NM_000393.5 (MANE Select); coding-DNA position 2764, C replaced by G.
Protein change: p.Pro922Ala; replaces proline 922 with alanine.
Molecular consequence: missense variant.
Genome position (GRCh38, 1-based): chr2:189,052,177, G>C on the plus strand (C>G on the coding strand, the complement: COL5A2 is on the minus strand). VCF-style: chr2-189052177-G-C. GRCh37 (hg19) VCF-style: chr2-189916903-G-C.
Other names: short protein forms P922A.
Identifiers: ClinVar variation 860814 (VCV000860814.14), dbSNP rs1349278394, ClinGen allele CA349868882.